The following is an entry in ClinVar:

ClinVar aggregate classification (germline): Uncertain significance (1 of 4 stars; one submission).

Submission:

Ambry Genetics
Classification: Uncertain significance. Last evaluated: 2026-02-06. Review status: criteria provided, single submitter. Criteria: Ambry Variant Classification Scheme 2023. Collection method: clinical testing. Allele origin: germline.
Comment: The p.H18R variant (also known as c.53A>G), located in coding exon 2 of the RPS20 gene, results from an A to G substitution at nucleotide position 53. The histidine at codon 18 is replaced by arginine, an amino acid with highly similar properties. This amino acid position is highly conserved in available vertebrate species. In addition, this alteration is predicted to be deleterious by in silico analysis. Based on the available evidence, the clinical significance of this variant remains unclear.

NM_001023.4(RPS20):c.53A>G (p.His18Arg)

Gene: RPS20 (ribosomal protein S20; minus strand). Cytogenetic location: 8q12.1.
Variant type: single nucleotide variant.
Coding change: c.53A>G on transcript NM_001023.4 (MANE Select); coding-DNA position 53, A replaced by G.
Protein change: p.His18Arg; replaces histidine 18 with arginine.
Molecular consequence: missense variant.
Genome position (GRCh38, 1-based): chr8:56,074,110, T>C on the plus strand (A>G on the coding strand, the complement: RPS20 is on the minus strand). VCF-style: chr8-56074110-T-C. GRCh37 (hg19) VCF-style: chr8-56986669-T-C.
Other names: c.53A>G, p.His18Arg (NM_001146227.3); short protein forms H18R.
Identifiers: ClinVar variation 4844312 (VCV004844312.1).